The following is an entry in ClinVar:

ClinVar aggregate classification (germline): Uncertain significance (1 of 4 stars; one submission).

Conditions:
Inborn genetic diseases. Identifiers: MedGen C0950123, MeSH D030342.

Submission:

Ambry Genetics
Classification: Uncertain significance for Inborn genetic diseases. Last evaluated: 2025-02-08. Review status: criteria provided, single submitter. Criteria: Ambry Variant Classification Scheme 2023. Collection method: clinical testing. Allele origin: germline.
Comment: The p.H93R variant (also known as c.278A>G), located in coding exon 5 of the ASXL1 gene, results from an A to G substitution at nucleotide position 278. The histidine at codon 93 is replaced by arginine, an amino acid with highly similar properties. This amino acid position is conserved. In addition, this alteration is predicted to be tolerated by in silico analysis. Based on the available evidence, the clinical significance of this variant remains unclear.

NM_015338.6(ASXL1):c.278A>G (p.His93Arg)

Gene: ASXL1 (ASXL transcriptional regulator 1; plus strand). Cytogenetic location: 20q11.21.
Variant type: single nucleotide variant.
Coding change: c.278A>G on transcript NM_015338.6 (MANE Select); coding-DNA position 278, A replaced by G.
Protein change: p.His93Arg; replaces histidine 93 with arginine.
Molecular consequence: missense variant.
Genome position (GRCh38, 1-based): chr20:32,428,153, A>G. VCF-style: chr20-32428153-A-G. GRCh37 (hg19) VCF-style: chr20-31015956-A-G.
Other names: c.248A>G, p.His83Arg (NM_001363734.1); short protein forms H83R, H93R.
Identifiers: ClinVar variation 3793323 (VCV003793323.1).